The following is an entry in ClinVar:

ClinVar aggregate classification (germline): Conflicting classifications of pathogenicity. Review status: criteria provided, conflicting classifications (1 of 4 stars). 2 submissions from 2 submitters: Uncertain significance (1); Likely benign (1). Last evaluated 2024-10-26.

Conditions:
Hereditary cancer-predisposing syndrome. Also called: Neoplastic Syndromes, Hereditary; Hereditary neoplastic syndrome; Tumor predisposition; Hereditary Cancer Syndrome. Identifiers: Orphanet 140162, MedGen C0027672, MeSH D009386, MONDO:0015356.
POLD1-related polyposis and colorectal cancer syndrome (CRCS10). Also called: Colorectal cancer 10; COLORECTAL CANCER, SUSCEPTIBILITY TO, ON CHROMOSOME 19q; Colorectal cancer, susceptibility to, 10. Identifiers: Orphanet 220460, MedGen C2675481, MONDO:0012953, OMIM 612591.

Allele frequency attached by ClinVar (database versions not stated): gnomAD exomes below 0.00001; TOPMed 0.00001.
gnomAD v4.1: 1 of 1,611,780 alleles (0.000062%); highest among the groups gnomAD compares: Non-Finnish European, 0.000085%; no homozygotes.

Submissions (2):

Labcorp Genetics (formerly Invitae), Labcorp
Classification: Uncertain significance for POLD1-related polyposis and colorectal cancer syndrome. Last evaluated: 2024-10-26. Review status: criteria provided, single submitter. Criteria: Invitae Variant Classification Sherloc (09022015). Collection method: clinical testing. Allele origin: germline.
Comment: This sequence change replaces valine, which is neutral and non-polar, with isoleucine, which is neutral and non-polar, at codon 553 of the POLD1 protein (p.Val553Ile). This variant is not present in population databases (gnomAD no frequency). This variant has not been reported in the literature in individuals affected with POLD1-related conditions. ClinVar contains an entry for this variant (Variation ID: 469211). Invitae Evidence Modeling of protein sequence and biophysical properties (such as structural, functional, and spatial information, amino acid conservation, physicochemical variation, residue mobility, and thermodynamic stability) indicates that this missense variant is not expected to disrupt POLD1 protein function with a negative predictive value of 80%. In summary, the available evidence is currently insufficient to determine the role of this variant in disease. Therefore, it has been classified as a Variant of Uncertain Significance.

Ambry Genetics
Classification: Likely benign for Hereditary cancer-predisposing syndrome. Last evaluated: 2024-03-28. Review status: criteria provided, single submitter. Criteria: Ambry Variant Classification Scheme 2023. Collection method: clinical testing. Allele origin: germline.

NM_002691.4(POLD1):c.1657G>A (p.Val553Ile)

Gene: POLD1 (DNA polymerase delta 1, catalytic subunit; plus strand). Cytogenetic location: 19q13.33.
Variant type: single nucleotide variant.
Coding change: c.1657G>A on transcript NM_002691.4 (MANE Select); coding-DNA position 1657, G replaced by A.
Protein change: p.Val553Ile; replaces valine 553 with isoleucine.
Molecular consequence: missense variant. On other transcripts: non-coding transcript variant (1).
Genome position (GRCh38, 1-based): chr19:50,407,145, G>A. VCF-style: chr19-50407145-G-A. GRCh37 (hg19) VCF-style: chr19-50910402-G-A.
Other names: c.1657G>A, p.Val553Ile (NM_001256849.1, NM_001308632.1); short protein forms V553I.
Identifiers: ClinVar variation 469211 (VCV000469211.13), dbSNP rs1213970824, ClinGen allele CA406981067.